The following is an entry in ClinVar:

NM_144997.7(FLCN):c.871+50C>T

Gene: FLCN (folliculin; minus strand). Cytogenetic location: 17p11.2.
Variant type: single nucleotide variant.
Coding change: c.871+50C>T on transcript NM_144997.7 (MANE Select); 50 bases into the intron after coding-DNA position 871, C replaced by T.
Molecular consequence: intron variant. On other transcripts: synonymous variant (1).
Genome position (GRCh38, 1-based): chr17:17,221,487, G>A on the plus strand (C>T on the coding strand, the complement: FLCN is on the minus strand). VCF-style: chr17-17221487-G-A. GRCh37 (hg19) VCF-style: chr17-17124801-G-A.
Other names: c.921C>T, p.Gly307= (NM_144606.7); c.871+50C>T (NM_001353231.2, NM_001353230.2); c.925+50C>T (NM_001353229.2).
Identifiers: ClinVar variation 3046418 (VCV003046418.2), dbSNP rs772537436, ClinGen allele CA288314298.

ClinVar aggregate classification (germline): Likely benign (0 of 4 stars; one submission).

Conditions:
FLCN-related disorder. Also called: FLCN-related condition.

Allele frequency attached by ClinVar (database versions not stated): gnomAD exomes below 0.00001; gnomAD 0.00001; TOPMed 0.00001.
gnomAD v4.1: 7 of 1,613,744 alleles (0.00043%); highest among the groups gnomAD compares: Admixed American, 0.0017%; no homozygotes.

Submission:

PreventionGenetics, part of Exact Sciences
Classification: Likely benign for FLCN-related condition. Last evaluated: 2019-02-26. Review status: no assertion criteria provided. Collection method: clinical testing. Allele origin: germline.
Comment: This variant is classified as likely benign based on ACMG/AMP sequence variant interpretation guidelines (Richards et al. 2015 PMID: 25741868, with internal and published modifications).